The following is an entry in ClinVar:

ClinVar aggregate classification (germline): Likely pathogenic (1 of 4 stars; one submission).

Conditions:
Autosomal recessive nonsyndromic hearing loss 21. Identifiers: Orphanet 90636, MedGen C1863655, MONDO:0011351, OMIM 603629.

Submission:

Laboratory of Molecular, Cellular and Translation Genetics in Otolaryngology/ Lim32-hcfmusp, University of Sao Paulo School of Medicine Clinics Hospital
Classification: Likely pathogenic for Autosomal recessive nonsyndromic hearing loss 21. Last evaluated: 2026-04-30. Review status: criteria provided, single submitter. Criteria: ClinGen HL ACMG Specifications v1. Collection method: research. Allele origin: germline. Affected: yes.
Comment: NM_005422.4:c.2221A>T: p.(Lys741*).This variant has been classified as likely pathogenic. It is absent from population databases (PM2) and is a nonsense (loss-of-function) variant in a gene in which loss of function is an established disease mechanism (PVS1_strong). Although this variant is novel, previously reported pathogenic variants in this gene are predominantly associated with autosomal recessive inheritance. As no second pathogenic variant was identified, the available evidence is insufficient to establish a causal role for this variant in the proband’s phenotype.

Literature cited by the submitters: PubMed 42233699.

NM_005422.4(TECTA):c.2221A>T (p.Lys741Ter)

Genes: TBCEL-TECTA (TBCEL-TECTA readthrough; plus strand), TECTA (tectorin alpha; plus strand). Cytogenetic location: 11q23.3.
Variant type: single nucleotide variant.
Coding change: c.2221A>T on transcript NM_005422.4 (MANE Select); coding-DNA position 2221, A replaced by T.
Protein change: p.Lys741Ter; replaces lysine 741 with a stop codon.
Molecular consequence: nonsense.
Genome position (GRCh38, 1-based): chr11:121,128,198, A>T. VCF-style: chr11-121128198-A-T. GRCh37 (hg19) VCF-style: chr11-120998907-A-T.
Other names: c.3178A>T, p.Lys1060Ter (NM_001378761.1); short protein forms K1060*, K741*.
Identifiers: ClinVar variation 4852829 (VCV004852829.1).